The following is an entry in ClinVar:

ClinVar aggregate classification (germline): not provided (0 of 4 stars; one submission).

Allele frequency attached by ClinVar (database versions not stated): gnomAD 0.00009; gnomAD exomes 0.00008 and 0.00023; TOPMed 0.00011; ExAC 0.00008; ESP Exome Variant Server 0.00008.
gnomAD v4.1: 349 of 1,609,986 alleles (0.022%); highest among the groups gnomAD compares: Non-Finnish European, 0.028%; no homozygotes.

Submission:

ITMI
No classification provided. Condition: AllHighlyPenetrant. Last evaluated: 2013-09-19. Review status: no classification provided. Collection method: reference population. Allele origin: germline.
Comment: Please see associated publication for description of ethnicities

Literature cited by the submitters: PubMed 24728327.

NM_001706.5(BCL6):c.962C>T (p.Ala321Val)

Genes: BCL6 (BCL6 transcription repressor; minus strand), LOC100131635 (hCG1645011-like; plus strand). Cytogenetic location: 3q27.3.
Variant type: single nucleotide variant.
Coding change: c.962C>T on transcript NM_001706.5 (MANE Select); coding-DNA position 962, C replaced by T.
Protein change: p.Ala321Val; replaces alanine 321 with valine.
Molecular consequence: missense variant.
Genome position (GRCh38, 1-based): chr3:187,729,443, G>A on the plus strand (C>T on the coding strand, the complement: BCL6 is on the minus strand). VCF-style: chr3-187729443-G-A. GRCh37 (hg19) VCF-style: chr3-187447231-G-A.
Other names: c.962C>T, p.Ala321Val (NM_001130845.2, NM_001134738.2); short protein forms A321V.
Identifiers: ClinVar variation 133672 (VCV000133672.1), dbSNP rs377059215, ClinGen allele CA157273.